The following is an entry in ClinVar:

NM_012463.4(ATP6V0A2):c.986G>A (p.Trp329Ter)

Gene: ATP6V0A2 (ATPase H+ transporting V0 subunit a2; plus strand). Cytogenetic location: 12q24.31.
Variant type: single nucleotide variant.
Coding change: c.986G>A on transcript NM_012463.4 (MANE Select); coding-DNA position 986, G replaced by A.
Protein change: p.Trp329Ter; replaces tryptophan 329 with a stop codon.
Molecular consequence: nonsense.
Genome position (GRCh38, 1-based): chr12:123,737,219, G>A. VCF-style: chr12-123737219-G-A. GRCh37 (hg19) VCF-style: chr12-124221766-G-A.
Other names: short protein forms W329*.
Identifiers: ClinVar variation 3658823 (VCV003658823.2).

ClinVar aggregate classification (germline): Pathogenic (1 of 4 stars; one submission).

Conditions:
ALG9 congenital disorder of glycosylation (CDG1L). Also called: ALG9-CDG; CONGENITAL DISORDER OF GLYCOSYLATION, TYPE Il; CDG Il. Identifiers: Orphanet 79328, MedGen C2931006, MONDO:0012117, OMIM 608776.

gnomAD v4.1: 1 of 1,614,146 alleles (0.000062%); highest among the groups gnomAD compares: Admixed American, 0.0017%; no homozygotes.

Submission:

Labcorp Genetics (formerly Invitae), Labcorp
Classification: Pathogenic for ALG9 congenital disorder of glycosylation. Last evaluated: 2024-07-05. Review status: criteria provided, single submitter. Criteria: Invitae Variant Classification Sherloc (09022015). Collection method: clinical testing. Allele origin: germline.
Comment: This sequence change creates a premature translational stop signal (p.Trp329*) in the ATP6V0A2 gene. It is expected to result in an absent or disrupted protein product. Loss-of-function variants in ATP6V0A2 are known to be pathogenic (PMID: 18157129, 19321599). This variant is not present in population databases (gnomAD no frequency). This variant has not been reported in the literature in individuals affected with ATP6V0A2-related conditions. For these reasons, this variant has been classified as Pathogenic.

Literature cited by the submitters: PubMed 18157129; PubMed 19321599.